The following is an entry in ClinVar:

ClinVar aggregate classification (germline): Uncertain significance (1 of 4 stars; one submission).

Conditions:
ACOX2-related disorder. Also called: ACOX2-related condition.

Submission:

PreventionGenetics, part of Exact Sciences
Classification: Uncertain significance for ACOX2-related condition. Last evaluated: 2026-09-12. Review status: criteria provided, single submitter. Criteria: ACMG Guidelines, 2015. Collection method: clinical testing. Allele origin: germline.
Comment: The ACOX2 c.1735C>T variant is predicted to result in the amino acid substitution p.His579Tyr. To our knowledge, this variant has not been reported in the literature or in a large population database (gnomAD), indicating this variant is rare. At this time, the clinical significance of this variant is uncertain due to the absence of conclusive functional and genetic evidence.

NM_003500.4(ACOX2):c.1735C>T (p.His579Tyr)

Gene: ACOX2 (acyl-CoA oxidase 2; minus strand). Cytogenetic location: 3p14.3.
Variant type: single nucleotide variant.
Coding change: c.1735C>T on transcript NM_003500.4 (MANE Select); coding-DNA position 1735, C replaced by T.
Protein change: p.His579Tyr; replaces histidine 579 with tyrosine.
Molecular consequence: missense variant.
Genome position (GRCh38, 1-based): chr3:58,517,321, G>A on the plus strand (C>T on the coding strand, the complement: ACOX2 is on the minus strand). VCF-style: chr3-58517321-G-A. GRCh37 (hg19) VCF-style: chr3-58503048-G-A.
Other names: short protein forms H579Y.
Identifiers: ClinVar variation 4983499 (VCV004983499.1).